The following is an entry in ClinVar:

NM_005585.5(SMAD6):c.1391_1392del (p.Val464fs)

Gene: SMAD6 (SMAD family member 6; plus strand). Cytogenetic location: 15q22.31.
Variant type: Deletion.
Coding change: c.1391_1392del on transcript NM_005585.5 (MANE Select); coding-DNA positions 1391 to 1392, 2 bases deleted (TC; older notation c.1391_1392delTC).
Protein change: p.Val464fs; shifts the reading frame from valine 464.
Molecular consequence: frameshift variant. On other transcripts: non-coding transcript variant (1).
Genome position (GRCh38, 1-based): chr15:66,781,435-66,781,436, TC deleted. VCF-style (leftmost placement, unchanged base first): chr15-66781434-GTC-G. GRCh37 (hg19) VCF-style: chr15-67073772-GTC-G.
Other names: short protein forms V464fs.
Identifiers: ClinVar variation 4071691 (VCV004071691.1).

ClinVar aggregate classification (germline): Uncertain significance (1 of 4 stars; one submission).

Submission:

GeneDx
Classification: Uncertain significance. Last evaluated: 2025-01-22. Review status: criteria provided, single submitter. Criteria: GeneDx Variant Classification Process June 2021. Collection method: clinical testing. Allele origin: germline. Affected: yes.
Comment: Not observed at significant frequency in large population cohorts (gnomAD); Frameshift variant predicted to result in abnormal protein length as the last 33 amino acid(s) are replaced with 99 different amino acid(s); Has not been previously published as pathogenic or benign to our knowledge